The following is an entry in ClinVar:

NM_014845.6(FIG4):c.350C>T (p.Ala117Val)

Gene: FIG4 (FIG4 phosphoinositide 5-phosphatase; plus strand). Cytogenetic location: 6q21.
Variant type: single nucleotide variant.
Coding change: c.350C>T on transcript NM_014845.6 (MANE Select); coding-DNA position 350, C replaced by T.
Protein change: p.Ala117Val; replaces alanine 117 with valine.
Molecular consequence: missense variant.
Genome position (GRCh38, 1-based): chr6:109,727,169, C>T. VCF-style: chr6-109727169-C-T. GRCh37 (hg19) VCF-style: chr6-110048372-C-T.
Other names: short protein forms A117V.
Identifiers: ClinVar variation 355037 (VCV000355037.11), dbSNP rs551339249, ClinGen allele CA3955749.

ClinVar aggregate classification (germline): Conflicting classifications of pathogenicity. Review status: criteria provided, conflicting classifications (1 of 4 stars). 4 submissions from 3 submitters: Uncertain significance (3); Likely benign (1). Last evaluated 2021-09-15.

Conditions:
Amyotrophic lateral sclerosis type 11 (ALS11). Identifiers: Orphanet 803, MedGen C2675491, MONDO:0012945, OMIM 612577.
Charcot-Marie-Tooth disease type 4J (CMT4J). Also called: CHARCOT-MARIE-TOOTH DISEASE, AUTOSOMAL RECESSIVE, TYPE 4J; Charcot-Marie-Tooth Neuropathy Type 4J; CHARCOT-MARIE-TOOTH DISEASE, DEMYELINATING, TYPE 4J. Identifiers: Orphanet 139515, MedGen C1970011, MONDO:0012640, OMIM 611228.
Charcot-Marie-Tooth disease type 4. Also called: Charcot-Marie-Tooth, Type 4; Charcot-Marie-Tooth disease, type IV. Identifiers: Orphanet 64749, MedGen C4082197, MONDO:0018995.

Allele frequency attached by ClinVar (database versions not stated): TOPMed 0.00002; ExAC 0.00006; gnomAD exomes 0.00008; gnomAD 0.00009; 1000 Genomes Project 0.00020; 1000 Genomes Project 30x 0.00031.
gnomAD v4.1: 92 of 1,610,178 alleles (0.0057%); highest among the groups gnomAD compares: South Asian, 0.0088%; no homozygotes.

Submissions (4):

Labcorp Genetics (formerly Invitae), Labcorp
Classification: Uncertain significance for Charcot-Marie-Tooth disease type 4. Last evaluated: 2021-09-15. Review status: criteria provided, single submitter. Criteria: Invitae Variant Classification Sherloc (09022015). Collection method: clinical testing. Allele origin: germline.
Comment: This sequence change replaces alanine with valine at codon 117 of the FIG4 protein (p.Ala117Val). The alanine residue is highly conserved and there is a small physicochemical difference between alanine and valine. This variant is present in population databases (rs551339249, ExAC 0.03%). This variant has not been reported in the literature in individuals affected with FIG4-related conditions. ClinVar contains an entry for this variant (Variation ID: 355037). Algorithms developed to predict the effect of missense changes on protein structure and function are either unavailable or do not agree on the potential impact of this missense change (SIFT: "Deleterious"; PolyPhen-2: "Probably Damaging"; Align-GVGD: "Class C0"). In summary, the available evidence is currently insufficient to determine the role of this variant in disease. Therefore, it has been classified as a Variant of Uncertain Significance.

GeneDx
Classification: Uncertain significance. Last evaluated: 2018-12-19. Review status: criteria provided, single submitter. Criteria: GeneDx Variant Classification Process June 2021. Collection method: clinical testing. Allele origin: germline. Affected: yes.
Comment: In silico analysis, which includes protein predictors and evolutionary conservation, supports a deleterious effect; Has not been previously published as pathogenic or benign to our knowledge

Illumina Laboratory Services, Illumina
Classification: Uncertain significance for Charcot-Marie-Tooth disease type 4J. Last evaluated: 2018-01-13. Review status: criteria provided, single submitter. Criteria: ICSL Variant Classification Criteria 13 December 2019. Collection method: clinical testing. Allele origin: germline.

Illumina Laboratory Services, Illumina
Classification: Likely benign for Amyotrophic lateral sclerosis type 11. Last evaluated: 2018-01-13. Review status: criteria provided, single submitter. Criteria: ICSL Variant Classification Criteria 13 December 2019. Collection method: clinical testing. Allele origin: germline.
Comment: This variant was observed in the ICSL laboratory as part of a predisposition screen in an ostensibly healthy population. It had not been previously curated by ICSL or reported in the Human Gene Mutation Database (HGMD: prior to June 1st, 2018), and was therefore a candidate for classification through an automated scoring system. Utilizing variant allele frequency, disease prevalence and penetrance estimates, and inheritance mode, an automated score was calculated to assess if this variant is too frequent to cause the disease. Based on the score and internal cut-off values, a variant classified as likely benign is not then subjected to further curation. The score for this variant resulted in a classification of likely benign for this disease.